The following is an entry in ClinVar:

ClinVar aggregate classification (germline): Uncertain significance. Review status: criteria provided, multiple submitters, no conflicts (2 of 4 stars). 2 submissions from 2 submitters: Uncertain significance (2). Last evaluated 2025-10-17.

Conditions:
Arrhythmogenic right ventricular dysplasia 9 (ARVD9). Also called: ARRHYTHMOGENIC RIGHT VENTRICULAR DYSPLASIA, FAMILIAL, 9; Arrhythmogenic Right Ventricular Dysplasia/Cardiomyopathy 9. Identifiers: MedGen C1836906, MONDO:0012180, OMIM 609040.
Arrhythmogenic right ventricular cardiomyopathy (ARVD). Also called: Arrhythmogenic right ventricular dysplasia; Cardiomyopathy, ARVC; Arrhythmogenic cardiomyopathy; Arrhythmogenic Right Ventricular Cardiomyopathy (ARVC). Identifiers: Orphanet 247, MedGen C0349788, MeSH D019571, MONDO:0016587. Disease mechanism: loss of function. Inheritance: Various modes of inheritance.

Submissions (2):

Labcorp Genetics (formerly Invitae), Labcorp
Classification: Uncertain significance for Arrhythmogenic right ventricular dysplasia 9. Last evaluated: 2025-10-17. Review status: criteria provided, single submitter. Criteria: Invitae Variant Classification Sherloc (09022015). Collection method: clinical testing. Allele origin: germline.
Comment: This sequence change replaces glycine, which is neutral and non-polar, with glutamic acid, which is acidic and polar, at codon 489 of the PKP2 protein (p.Gly489Glu). This variant is not present in population databases (gnomAD no frequency). This variant has not been reported in the literature in individuals affected with PKP2-related conditions. ClinVar contains an entry for this variant (Variation ID: 3387480). An algorithm developed to predict the effect of missense changes on protein structure and function (PolyPhen-2) suggests that this variant is likely to be tolerated. In summary, the available evidence is currently insufficient to determine the role of this variant in disease. Therefore, it has been classified as a Variant of Uncertain Significance.

All of Us Research Program, National Institutes of Health
Classification: Uncertain significance for Arrhythmogenic right ventricular cardiomyopathy. Last evaluated: 2024-08-13. Review status: criteria provided, single submitter. Criteria: ACMG Guidelines, 2015. Collection method: clinical testing. Allele origin: germline. Inheritance: Autosomal dominant inheritance. Observed: 1 variant allele, 1 heterozygote.
Comment: This missense variant replaces glycine with glutamic acid at codon 489 of the PKP2 protein. Computational prediction suggests that this variant may not impact protein structure and function (internally defined REVEL score threshold <= 0.5, PMID: 27666373). To our knowledge, functional studies have not been reported for this variant. This variant has not been reported in individuals affected with PKP2-related disorders in the literature. This variant has not been identified in the general population by the Genome Aggregation Database (gnomAD). The available evidence is insufficient to determine the role of this variant in disease conclusively. Therefore, this variant is classified as a Variant of Uncertain Significance.

This study involves interpretation of variants in research participants for the purpose of population health screening. Participant phenotype was not available at the time of variant classification. Additional details can be found in publication PMID: 35346344, PMCID: PMC8962531

NM_001005242.3(PKP2):c.1379-2021G>A

Gene: PKP2 (plakophilin 2; minus strand). Cytogenetic location: 12p11.21.
Variant type: single nucleotide variant.
Coding change: c.1379-2021G>A on transcript NM_001005242.3 (MANE Select); 2021 bases into the intron before coding-DNA position 1379, G replaced by A.
Molecular consequence: intron variant. On other transcripts: missense variant (2).
Genome position (GRCh38, 1-based): chr12:32,843,226, C>T on the plus strand (G>A on the coding strand, the complement: PKP2 is on the minus strand). VCF-style: chr12-32843226-C-T. GRCh37 (hg19) VCF-style: chr12-32996160-C-T.
Other names: c.1466G>A, p.Gly489Glu (NM_001407157.1, NM_004572.4); c.1379-2021G>A (NM_001407156.1, NM_001407155.1, NM_001407161.1); c.1052-2021G>A (NM_001407160.1, NM_001407159.1, NM_001407158.1 and 1 more transcripts); short protein forms G489E.
Identifiers: ClinVar variation 3387480 (VCV003387480.2).